The following is an entry in ClinVar:

NM_000548.5(TSC2):c.2185A>C (p.Ser729Arg)

Gene: TSC2 (TSC complex subunit 2; plus strand). Cytogenetic location: 16p13.3.
Variant type: single nucleotide variant.
Coding change: c.2185A>C on transcript NM_000548.5 (MANE Select); coding-DNA position 2185, A replaced by C.
Protein change: p.Ser729Arg; replaces serine 729 with arginine.
Molecular consequence: missense variant.
Genome position (GRCh38, 1-based): chr16:2,072,328, A>C. VCF-style: chr16-2072328-A-C. GRCh37 (hg19) VCF-style: chr16-2122329-A-C.
Other names: c.2185A>C, p.Ser729Arg (NM_001077183.3, NM_001114382.3, NM_001363528.2 and 3 more transcripts); c.2074A>C, p.Ser692Arg (NM_001318827.2); c.2038A>C, p.Ser680Arg (NM_001318829.2); c.1585A>C, p.Ser529Arg (NM_001318831.2); c.2218A>C, p.Ser740Arg (NM_001318832.2); short protein forms S740R, S529R, S680R, S692R, S729R.
Identifiers: ClinVar variation 863799 (VCV000863799.9), dbSNP rs2088581010, ClinGen allele CA394274984.
Genomic context (GRCh38, chr16:2,072,328, plus strand): 5'-GTTCTGGGCAGGCTGCCTGAGTCCCTGCGCTATAAAGTGCTCATCTTTACTTCCCCTTGC[A>C]GTGTGGACCAGCTGTGCTCTGCTCTCTGCTCCATGGTACCATGGCCGGCCTGGGGTTGGG-3'
Protein context (NP_000539.2, residues 719-739): YKVLIFTSPC[Ser729Arg]VDQLCSALCS

ClinVar aggregate classification (germline): Uncertain significance (1 of 4 stars; one submission).

Conditions:
Tuberous sclerosis 2 (TSC2). Identifiers: Orphanet 805, MedGen C1860707, MONDO:0013199, OMIM 613254.

Submission:

Labcorp Genetics (formerly Invitae), Labcorp
Classification: Uncertain significance for Tuberous sclerosis 2. Last evaluated: 2019-11-26. Review status: criteria provided, single submitter. Criteria: Invitae Variant Classification Sherloc (09022015). Collection method: clinical testing. Allele origin: germline.
Comment: This variant is not present in population databases (ExAC no frequency). In summary, the available evidence is currently insufficient to determine the role of this variant in disease. Therefore, it has been classified as a Variant of Uncertain Significance. Algorithms developed to predict the effect of missense changes on protein structure and function (SIFT, PolyPhen-2, Align-GVGD) all suggest that this variant is likely to be tolerated, but these predictions have not been confirmed by published functional studies and their clinical significance is uncertain. This variant has not been reported in the literature in individuals with TSC2-related conditions. This sequence change replaces serine with arginine at codon 729 of the TSC2 protein (p.Ser729Arg). The serine residue is moderately conserved and there is a moderate physicochemical difference between serine and arginine.